The following is an entry in ClinVar:

NM_198586.3(NHLRC1):c.1064C>T (p.Pro355Leu)

Gene: NHLRC1 (NHL repeat containing E3 ubiquitin protein ligase 1; minus strand). Cytogenetic location: 6p22.3.
Variant type: single nucleotide variant.
Coding change: c.1064C>T on transcript NM_198586.3 (MANE Select); coding-DNA position 1064, C replaced by T.
Protein change: p.Pro355Leu; replaces proline 355 with leucine.
Molecular consequence: missense variant.
Genome position (GRCh38, 1-based): chr6:18,121,543, G>A on the plus strand (C>T on the coding strand, the complement: NHLRC1 is on the minus strand). VCF-style: chr6-18121543-G-A. GRCh37 (hg19) VCF-style: chr6-18121774-G-A.
Other names: short protein forms P355L.
Identifiers: ClinVar variation 1052308 (VCV001052308.4), dbSNP rs144863228, ClinGen allele CA3649881.

ClinVar aggregate classification (germline): Uncertain significance (1 of 4 stars; one submission).

Conditions:
Lafora disease. Also called: Epilepsy progressive myoclonic 2. Identifiers: Orphanet 501, MedGen C0751783, MONDO:0009697.

Allele frequency attached by ClinVar (database versions not stated): gnomAD exomes below 0.00001 and 0.00001; ExAC 0.00002; TOPMed 0.00002; gnomAD 0.00003 and 0.00004; ESP Exome Variant Server 0.00008.

Submission:

Labcorp Genetics (formerly Invitae), Labcorp
Classification: Uncertain significance for Lafora disease. Last evaluated: 2021-10-12. Review status: criteria provided, single submitter. Criteria: Invitae Variant Classification Sherloc (09022015). Collection method: clinical testing. Allele origin: germline.
Comment: This sequence change replaces proline with leucine at codon 355 of the NHLRC1 protein (p.Pro355Leu). The proline residue is weakly conserved and there is a moderate physicochemical difference between proline and leucine. This variant is present in population databases (rs144863228, ExAC 0.01%). This variant has not been reported in the literature in individuals affected with NHLRC1-related conditions. Algorithms developed to predict the effect of missense changes on protein structure and function output the following: SIFT: "Tolerated"; PolyPhen-2: "Benign"; Align-GVGD: "Class C0". The leucine amino acid residue is found in multiple mammalian species, which suggests that this missense change does not adversely affect protein function. In summary, the available evidence is currently insufficient to determine the role of this variant in disease. Therefore, it has been classified as a Variant of Uncertain Significance.